The following is an entry in ClinVar:

ClinVar aggregate classification (germline): Likely benign (0 of 4 stars; one submission).

Conditions:
PLXNA3-related disorder. Also called: PLXNA3-related condition.

gnomAD v4.1: 41 of 1,189,762 alleles (0.0034%); highest among the groups gnomAD compares: Middle Eastern, 0.023%; no homozygotes.

Submission:

PreventionGenetics, part of Exact Sciences
Classification: Likely benign for PLXNA3-related condition. Last evaluated: 2022-06-27. Review status: no assertion criteria provided. Collection method: clinical testing. Allele origin: germline.
Comment: This variant is classified as likely benign based on ACMG/AMP sequence variant interpretation guidelines (Richards et al. 2015 PMID: 25741868, with internal and published modifications).

NM_017514.5(PLXNA3):c.3075C>T (p.Val1025=)

Gene: PLXNA3 (plexin A3; plus strand). Cytogenetic location: Xq28.
Variant type: single nucleotide variant.
Coding change: c.3075C>T on transcript NM_017514.5 (MANE Select); coding-DNA position 3075, C replaced by T.
Protein change: p.Val1025=; no amino-acid change (valine 1025 retained).
Molecular consequence: synonymous variant.
Genome position (GRCh38, 1-based): chrX:154,466,761, C>T. VCF-style: chrX-154466761-C-T. GRCh37 (hg19) VCF-style: chrX-153695104-C-T.
Identifiers: ClinVar variation 3352653 (VCV003352653.1).